The following is an entry in ClinVar:

NM_000275.3(OCA2):c.1016C>T (p.Ala339Val)

Gene: OCA2 (OCA2 melanosomal transmembrane protein; minus strand). Cytogenetic location: 15q13.1.
Variant type: single nucleotide variant.
Coding change: c.1016C>T on transcript NM_000275.3 (MANE Select); coding-DNA position 1016, C replaced by T.
Protein change: p.Ala339Val; replaces alanine 339 with valine.
Molecular consequence: missense variant.
Genome position (GRCh38, 1-based): chr15:28,014,804, G>A on the plus strand (C>T on the coding strand, the complement: OCA2 is on the minus strand). VCF-style: chr15-28014804-G-A. GRCh37 (hg19) VCF-style: chr15-28259950-G-A.
Other names: c.1016C>T, p.Ala339Val (NM_001300984.2); short protein forms A339V.
Identifiers: ClinVar variation 1308940 (VCV001308940.4), dbSNP rs747940330, ClinGen allele CA7439261.

ClinVar aggregate classification (germline): Uncertain significance. Review status: criteria provided, multiple submitters, no conflicts (2 of 4 stars). 2 submissions from 2 submitters: Uncertain significance (2). Last evaluated 2022-04-06.

Conditions:
Inborn genetic diseases. Identifiers: MedGen C0950123, MeSH D030342.

Allele frequency attached by ClinVar (database versions not stated): gnomAD 0.00001; ExAC 0.00003.
gnomAD v4.1: 22 of 1,613,824 alleles (0.0014%); highest among the groups gnomAD compares: East Asian, 0.0045%; no homozygotes.

Submissions (2):

Ambry Genetics
Classification: Uncertain significance for Inborn genetic diseases. Last evaluated: 2022-04-06. Review status: criteria provided, single submitter. Criteria: Ambry Variant Classification Scheme 2023. Collection method: clinical testing. Allele origin: germline.

GeneDx
Classification: Uncertain significance. Last evaluated: 2019-10-02. Review status: criteria provided, single submitter. Criteria: GeneDx Variant Classification Process June 2021. Collection method: clinical testing. Allele origin: germline. Affected: yes.
Comment: In silico analysis, which includes protein predictors and evolutionary conservation, supports that this variant does not alter protein structure/function; Has not been previously published as pathogenic or benign to our knowledge